The following is an entry in ClinVar:

ClinVar aggregate classification (germline): Likely benign. Review status: criteria provided, single submitter (1 of 4 stars). 2 submissions from 2 submitters: Likely benign (1). 1 of the submissions does not count toward it. Last evaluated 2024-10-15.

Conditions:
DNMT3B-related disorder. Also called: DNMT3B-related condition.
Centromeric instability of chromosomes 1,9 and 16 and immunodeficiency (ICF1). Also called: IMMUNE DEFICIENCY, VARIABLE, WITH CENTROMERIC INSTABILITY OF CHROMOSOMES 1, 9, AND 16; IMMUNODEFICIENCY SYNDROME, VARIABLE; CENTROMERIC INSTABILITY, IMMUNODEFICIENCY SYNDROME; Immunodeficiency-centromeric instability-facial anomalies. Identifiers: Orphanet 2268, MedGen C0398788, MONDO:0000133.

Allele frequency attached by ClinVar (database versions not stated): gnomAD exomes 0.00006; ExAC 0.00007; gnomAD 0.00029 and 0.00031; TOPMed 0.00030; ESP Exome Variant Server 0.00046.
gnomAD v4.1: 73 of 1,614,082 alleles (0.0045%); highest among the groups gnomAD compares: African/African-American, 0.087%; 1 homozygote.

Submissions (2):

Labcorp Genetics (formerly Invitae), Labcorp
Classification: Likely benign for Centromeric instability of chromosomes 1,9 and 16 and immunodeficiency. Last evaluated: 2024-10-15. Review status: criteria provided, single submitter. Criteria: Invitae Variant Classification Sherloc (09022015). Collection method: clinical testing. Allele origin: germline.

PreventionGenetics, part of Exact Sciences
Classification: Likely benign for DNMT3B-related condition. Last evaluated: 2023-10-18. Review status: no assertion criteria provided. Collection method: clinical testing. Allele origin: germline. Not counted in ClinVar's aggregate classification.
Comment: This variant is classified as likely benign based on ACMG/AMP sequence variant interpretation guidelines (Richards et al. 2015 PMID: 25741868, with internal and published modifications).

NM_006892.4(DNMT3B):c.1297+9C>T

Gene: DNMT3B (DNA methyltransferase 3 beta; plus strand). Cytogenetic location: 20q11.21.
Variant type: single nucleotide variant.
Coding change: c.1297+9C>T on transcript NM_006892.4 (MANE Select); 9 bases into the intron after coding-DNA position 1297, C replaced by T.
Molecular consequence: intron variant.
Genome position (GRCh38, 1-based): chr20:32,795,703, C>T. VCF-style: chr20-32795703-C-T. GRCh37 (hg19) VCF-style: chr20-31383509-C-T.
Other names: c.1237+9C>T (NM_175848.2, NM_175849.2); c.1111+9C>T (NM_001207055.2); c.1009+9C>T (NM_001207056.2); c.1273+9C>T (NM_175850.3).
Identifiers: ClinVar variation 745337 (VCV000745337.12), dbSNP rs188520141, ClinGen allele CA9810504.